The following is an entry in ClinVar:

ClinVar aggregate classification (germline): Pathogenic. Review status: criteria provided, multiple submitters, no conflicts (2 of 4 stars). 3 submissions from 3 submitters: Pathogenic (2). 1 of the submissions does not count toward it. Last evaluated 2022-01-07.

Conditions:
Spondylometaphyseal dysplasia - Sutcliffe type. Also called: Spondylometaphyseal dysplasia, 'corner fracture' type; Spondylometaphyseal Dysplasia, Corner Fracture Type; Sutcliffe type of spondylometaphyseal dysplasia; Sutcliffe SMD. Identifiers: Orphanet 93315, MedGen C0432221, MONDO:0008479, OMIM 184255.

Submissions (3):

Labcorp Genetics (formerly Invitae), Labcorp
Classification: Pathogenic. Last evaluated: 2022-01-07. Review status: criteria provided, single submitter. Criteria: Invitae Variant Classification Sherloc (09022015). Collection method: clinical testing. Allele origin: germline.
Comment: For these reasons, this variant has been classified as Pathogenic. This variant disrupts the triple helix domain of COL2A1. Glycine residues within the Gly-Xaa-Yaa repeats of the triple helix domain are required for the structure and stability of fibrillar collagens (PMID: 7695699, 8218237, 19344236). In COL2A1, variants affecting these glycine residues are significantly enriched in individuals with disease (PMID: 9016532, 17078022) compared to the general population (ExAC). Advanced modeling of protein sequence and biophysical properties (such as structural, functional, and spatial information, amino acid conservation, physicochemical variation, residue mobility, and thermodynamic stability) performed at Invitae indicates that this missense variant is expected to disrupt COL2A1 protein function. ClinVar contains an entry for this variant (Variation ID: 929262). This missense change has been observed in individual(s) with autosomal dominant spondyloepiphyseal dysplasia congenita (PMID: 26626311, 27888646). In at least one individual the variant was observed to be de novo. This variant is not present in population databases (gnomAD no frequency). This sequence change replaces glycine, which is neutral and non-polar, with aspartic acid, which is acidic and polar, at codon 345 of the COL2A1 protein (p.Gly345Asp).

CeGaT Center for Human Genetics Tuebingen
Classification: Pathogenic. Last evaluated: 2020-07-01. Review status: criteria provided, single submitter. Criteria: CeGaT Center For Human Genetics Tuebingen Variant Classification Criteria Version 2. Collection method: clinical testing. Allele origin: germline. Affected: yes. Observed: 2 variant alleles.

GeneReviews
No classification provided. Condition: Spondylometaphyseal dysplasia - Sutcliffe type. Review status: no classification provided. Collection method: literature only. Allele origin: germline. Not counted in ClinVar's aggregate classification.

Literature cited by the submitters: PubMed 7695699 (cited by Labcorp Genetics (formerly Invitae), Labcorp); PubMed 8218237 (cited by Labcorp Genetics (formerly Invitae), Labcorp); PubMed 19344236 (cited by Labcorp Genetics (formerly Invitae), Labcorp); PubMed 9016532 (cited by Labcorp Genetics (formerly Invitae), Labcorp); PubMed 17078022 (cited by Labcorp Genetics (formerly Invitae), Labcorp); PubMed 26626311 (cited by Labcorp Genetics (formerly Invitae), Labcorp); PubMed 27888646 (cited by Labcorp Genetics (formerly Invitae), Labcorp and GeneReviews); PubMed 17163530 (cited by GeneReviews); PubMed 26443184 (cited by GeneReviews); PubMed 32200603 (cited by GeneReviews).

NM_001844.5(COL2A1):c.1034G>A (p.Gly345Asp)

Gene: COL2A1 (collagen type II alpha 1 chain; minus strand). Cytogenetic location: 12q13.11.
Variant type: single nucleotide variant.
Coding change: c.1034G>A on transcript NM_001844.5 (MANE Select); coding-DNA position 1034, G replaced by A.
Protein change: p.Gly345Asp; replaces glycine 345 with aspartic acid.
Molecular consequence: missense variant.
Genome position (GRCh38, 1-based): chr12:47,989,795, C>T on the plus strand (G>A on the coding strand, the complement: COL2A1 is on the minus strand). VCF-style: chr12-47989795-C-T. GRCh37 (hg19) VCF-style: chr12-48383578-C-T.
Other names: c.827G>A, p.Gly276Asp (NM_033150.3); short protein forms G276D, G345D.
Identifiers: ClinVar variation 929262 (VCV000929262.48), dbSNP rs1939617011, ClinGen allele CA384555478.